The following is an entry in ClinVar:

NM_001042492.3(NF1):c.6763A>C (p.Ile2255Leu)

Gene: NF1 (neurofibromin 1; plus strand). Cytogenetic location: 17q11.2.
Variant type: single nucleotide variant.
Coding change: c.6763A>C on transcript NM_001042492.3 (MANE Select); coding-DNA position 6763, A replaced by C.
Protein change: p.Ile2255Leu; replaces isoleucine 2255 with leucine.
Molecular consequence: missense variant.
Genome position (GRCh38, 1-based): chr17:31,338,083, A>C. VCF-style: chr17-31338083-A-C. GRCh37 (hg19) VCF-style: chr17-29665101-A-C.
Other names: c.6700A>C, p.Ile2234Leu (NM_000267.4); short protein forms I2255L, I2234L.
Identifiers: ClinVar variation 1755009 (VCV001755009.2), dbSNP rs2508759355, ClinGen allele CA399014107.
Genomic context (GRCh38, chr17:31,338,083, plus strand): 5'-AGATTTGCATTCCAATATAATCCATCCCTGCAACCAAGAGCTCTTGTTGTCTTTGGGTGT[A>C]TTAGCAAACGAGTGTCTCATGGGCAGATAAAGCAGATAATCCGTATTCTTAGCAAGGTAC-3'
Protein context (NP_001035957.1, residues 2245-2265): QPRALVVFGC[Ile2255Leu]SKRVSHGQIK

ClinVar aggregate classification (germline): Uncertain significance (1 of 4 stars; one submission).

Conditions:
Cardiovascular phenotype. Identifiers: MedGen CN230736.
Hereditary cancer-predisposing syndrome. Also called: Neoplastic Syndromes, Hereditary; Tumor predisposition; Hereditary Cancer Syndrome; Hereditary neoplastic syndrome. Identifiers: Orphanet 140162, MedGen C0027672, MeSH D009386, MONDO:0015356.

Submission:

Ambry Genetics
Classification: Uncertain significance for Cardiovascular phenotype; Hereditary cancer-predisposing syndrome. Last evaluated: 2021-12-07. Review status: criteria provided, single submitter. Criteria: Ambry Variant Classification Scheme 2023. Collection method: clinical testing. Allele origin: germline.
Comment: The p.I2234L variant (also known as c.6700A>C), located in coding exon 44 of the NF1 gene, results from an A to C substitution at nucleotide position 6700. The isoleucine at codon 2234 is replaced by leucine, an amino acid with highly similar properties. This amino acid position is highly conserved in available vertebrate species. In addition, the in silico prediction for this alteration is inconclusive. Since supporting evidence is limited at this time, the clinical significance of this alteration remains unclear.